The following is an entry in ClinVar:

NM_000410.4(HFE):c.766G>A (p.Val256Ile)

Gene: HFE (homeostatic iron regulator; plus strand). Cytogenetic location: 6p22.2.
Variant type: single nucleotide variant.
Coding change: c.766G>A on transcript NM_000410.4 (MANE Select); coding-DNA position 766, G replaced by A.
Protein change: p.Val256Ile; replaces valine 256 with isoleucine.
Molecular consequence: missense variant. On other transcripts: intron variant (1).
Genome position (GRCh38, 1-based): chr6:26,092,834, G>A. VCF-style: chr6-26092834-G-A. GRCh37 (hg19) VCF-style: chr6-26093062-G-A.
Other names: c.766G>A, p.Val256Ile (NM_001300749.3, NM_001384164.1); c.757G>A, p.Val253Ile (NM_001406751.1); c.502G>A, p.Val168Ile (NM_001406752.1, NM_139007.3); c.448G>A, p.Val150Ile (NM_139003.3); c.490G>A, p.Val164Ile (NM_139004.3); c.724G>A, p.Val242Ile (NM_139006.3); c.460G>A, p.Val154Ile (NM_139008.3); c.697G>A, p.Val233Ile (NM_139009.3); and 2 more; short protein forms V256I, V154I, V164I, V168I, V233I, V242I, V150I, V76I.
Identifiers: ClinVar variation 461194 (VCV000461194.12), dbSNP rs202068193, ClinGen allele CA3666732.

ClinVar aggregate classification (germline): Uncertain significance. Review status: criteria provided, multiple submitters, no conflicts (2 of 4 stars). 3 submissions from 3 submitters: Uncertain significance (3). Last evaluated 2023-02-08.

Conditions:
Hereditary hemochromatosis (HFE). Identifiers: MedGen C0392514, MONDO:0006507. Disease mechanism: loss of function.
Alzheimer disease type 1 (AD1). Also called: ALZHEIMER DISEASE, FAMILIAL, 1; ALZHEIMER DISEASE, FAMILIAL, 1, AUTOSOMAL RECESSIVE. Identifiers: MedGen C1863052, MONDO:0007088, OMIM 104300.
Variegate porphyria (VP). Also called: PORPHYRIA, SOUTH AFRICAN TYPE; PROTOPORPHYRINOGEN OXIDASE DEFICIENCY; PPOX DEFICIENCY. Identifiers: Orphanet 79473, MedGen C0162532, MONDO:0008297, OMIM 176200.
Hemochromatosis type 1 (HFE1). Also called: HFE-Related Hemochromatosis; HFE-Associated Hereditary Hemochromatosis. Identifiers: Orphanet 465508, MedGen C3469186, MONDO:0021001, OMIM 235200. Disease mechanism: loss of function.
TRANSFERRIN SERUM LEVEL QUANTITATIVE TRAIT LOCUS 2 (TFQTL2). Identifiers: MedGen C3280096, OMIM 614193.
Familial porphyria cutanea tarda (PCT). Also called: PCT, ''FAMILIAL'' TYPE; PCT, TYPE II; PORPHYRIA CUTANEA TARDA, TYPE II; PORPHYRIA, HEPATOCUTANEOUS TYPE; UROD DEFICIENCY; UROPORPHYRINOGEN DECARBOXYLASE DEFICIENCY. Identifiers: Orphanet 101330, Orphanet 443062, MedGen C0268323, MONDO:0008296, OMIM 176100.
Microvascular complications of diabetes, susceptibility to, 7. Identifiers: MedGen C2673520, MONDO:0012971, OMIM 612635.

Allele frequency attached by ClinVar (database versions not stated): gnomAD 0.00001; TOPMed 0.00002; gnomAD exomes 0.00003 and 0.00006; ExAC 0.00006.
gnomAD v4.1: 45 of 1,614,110 alleles (0.0028%); highest among the groups gnomAD compares: Non-Finnish European, 0.0036%; no homozygotes.

Submissions (3):

Genome-Nilou Lab
Classification: Uncertain significance for Hemochromatosis type 1. Last evaluated: 2023-02-08. Review status: criteria provided, single submitter. Criteria: ACMG Guidelines, 2015. Collection method: clinical testing. Allele origin: germline.

Fulgent Genetics
Classification: Uncertain significance for Alzheimer disease type 1; Familial porphyria cutanea tarda; Variegate porphyria; Hemochromatosis type 1; Microvascular complications of diabetes, susceptibility to, 7; TRANSFERRIN SERUM LEVEL QUANTITATIVE TRAIT LOCUS 2. Last evaluated: 2021-10-29. Review status: criteria provided, single submitter. Criteria: ACMG Guidelines, 2015. Collection method: clinical testing. Allele origin: unknown.

Labcorp Genetics (formerly Invitae), Labcorp
Classification: Uncertain significance for Hereditary hemochromatosis. Last evaluated: 2021-08-27. Review status: criteria provided, single submitter. Criteria: Invitae Variant Classification Sherloc (09022015). Collection method: clinical testing. Allele origin: germline.
Comment: This sequence change replaces valine with isoleucine at codon 256 of the HFE protein (p.Val256Ile). The valine residue is highly conserved and there is a small physicochemical difference between valine and isoleucine. This variant is present in population databases (rs202068193, ExAC 0.01%). This missense change has been observed in individual(s) with hemochromatosis (PMID: 21411349). ClinVar contains an entry for this variant (Variation ID: 461194). Algorithms developed to predict the effect of missense changes on protein structure and function output the following: SIFT: "Deleterious"; PolyPhen-2: "Benign"; Align-GVGD: "Class C25". The isoleucine amino acid residue is found in multiple mammalian species, which suggests that this missense change does not adversely affect protein function. In summary, the available evidence is currently insufficient to determine the role of this variant in disease. Therefore, it has been classified as a Variant of Uncertain Significance.

Literature cited by the submitters: PubMed 21411349 (cited by Labcorp Genetics (formerly Invitae), Labcorp).